The following is an entry in ClinVar:

ClinVar aggregate classification (germline): Likely benign (0 of 4 stars; one submission).

Conditions:
SETD1B-related disorder. Also called: SETD1B-related condition.

Allele frequency attached by ClinVar (database versions not stated): gnomAD exomes 0.00003; ExAC 0.00010; ESP Exome Variant Server 0.00022; gnomAD 0.00023; TOPMed 0.00028.
gnomAD v4.1: 80 of 1,551,402 alleles (0.0052%); highest among the groups gnomAD compares: Middle Eastern, 0.13%; no homozygotes.

Submission:

PreventionGenetics, part of Exact Sciences
Classification: Likely benign for SETD1B-related condition. Last evaluated: 2024-03-15. Review status: no assertion criteria provided. Collection method: clinical testing. Allele origin: germline.
Comment: This variant is classified as likely benign based on ACMG/AMP sequence variant interpretation guidelines (Richards et al. 2015 PMID: 25741868, with internal and published modifications).

NM_001353345.2(SETD1B):c.3134C>T (p.Ser1045Leu)

Gene: SETD1B (SET domain containing 1B, histone lysine methyltransferase; plus strand). Cytogenetic location: 12q24.31.
Variant type: single nucleotide variant.
Coding change: c.3134C>T on transcript NM_001353345.2 (MANE Select); coding-DNA position 3134, C replaced by T.
Protein change: p.Ser1045Leu; replaces serine 1045 with leucine.
Molecular consequence: missense variant.
Genome position (GRCh38, 1-based): chr12:121,817,526, C>T. VCF-style: chr12-121817526-C-T. GRCh37 (hg19) VCF-style: chr12-122255432-C-T.
Other names: short protein forms S1045L.
Identifiers: ClinVar variation 3043546 (VCV003043546.2), dbSNP rs370992202, ClinGen allele CA6839015.